The following is an entry in ClinVar:

ClinVar aggregate classification (germline): Benign (1 of 4 stars; one submission).

Conditions:
Hypogonadotropic hypogonadism 5 with or without anosmia (KAL5). Also called: HYPOGONADOTROPIC HYPOGONADISM 5 WITH ANOSMIA; HYPOGONADOTROPHIC HYPOGONADISM 5 WITHOUT ANOSMIA; CHD7-Related GnRH Deficiency (Kallmann Syndrome 5). Identifiers: Orphanet 478, MedGen C3552553, MONDO:0012880, OMIM 612370. Disease mechanism: loss of function.

Allele frequency attached by ClinVar (database versions not stated): TOPMed 0.45061; gnomAD 0.45413 and 0.46852; 1000 Genomes Project 30x 0.48532; 1000 Genomes Project 0.49621; gnomAD exomes 0.90000.
gnomAD v4.1: 71,296 of 151,954 alleles (47%); highest among the groups gnomAD compares: East Asian, 74%; 20,228 homozygotes.

Submission:

Illumina Laboratory Services, Illumina
Classification: Benign for Kallmann Syndrome 5. Last evaluated: 2018-01-13. Review status: criteria provided, single submitter. Criteria: ICSL Variant Classification Criteria 13 December 2019. Collection method: clinical testing. Allele origin: germline.
Comment: This variant was observed in the ICSL laboratory as part of a predisposition screen in an ostensibly healthy population. It had not been previously curated by ICSL or reported in the Human Gene Mutation Database (HGMD: prior to June 1st, 2018), and was therefore a candidate for classification through an automated scoring system. Utilizing variant allele frequency, disease prevalence and penetrance estimates, and inheritance mode, an automated score was calculated to assess if this variant is too frequent to cause the disease. Based on the score and internal cut-off values, a variant classified as benign is not then subjected to further curation. The score for this variant resulted in a classification of benign for this disease.

NM_017780.4(CHD7):c.*1797C>T

Gene: CHD7 (chromodomain helicase DNA binding protein 7; plus strand). Cytogenetic location: 8q12.2.
Variant type: single nucleotide variant.
Coding change: c.*1797C>T on transcript NM_017780.4 (MANE Select); 1797 bases downstream of the stop codon, C replaced by T.
Molecular consequence: 3 prime UTR variant.
Genome position (GRCh38, 1-based): chr8:60,867,730, C>T. VCF-style: chr8-60867730-C-T. GRCh37 (hg19) VCF-style: chr8-61780289-C-T.
Other names: c.*1797C>T (NM_001316690.1).
Identifiers: ClinVar variation 363513 (VCV000363513.5), dbSNP rs6985168, ClinGen allele CA10628194.
Genomic context (GRCh38, chr8:60,867,730, plus strand): 5'-TGTGCTGCCAGACAGGTGGTCTAAATTCCTCCCAGACTGTGAGATTCAGTTCGTTTATGC[C>T]CCAAGATGAAAATATGCCCCTTAATGATTCTGGGAAAGAAACAACCTGAACCCTCCACCT-3'